The following is an entry in ClinVar:

NM_005534.4(IFNGR2):c.454G>C (p.Glu152Gln)

Gene: IFNGR2 (interferon gamma receptor 2; plus strand). Cytogenetic location: 21q22.11.
Variant type: single nucleotide variant.
Coding change: c.454G>C on transcript NM_005534.4 (MANE Select); coding-DNA position 454, G replaced by C.
Protein change: p.Glu152Gln; replaces glutamic acid 152 with glutamine.
Molecular consequence: missense variant.
Genome position (GRCh38, 1-based): chr21:33,426,925, G>C. VCF-style: chr21-33426925-G-C. GRCh37 (hg19) VCF-style: chr21-34799232-G-C.
Other names: c.511G>C, p.Glu171Gln (NM_001329128.2); short protein forms E152Q, E171Q.
Identifiers: ClinVar variation 1521676 (VCV001521676.8), dbSNP rs936531276, ClinGen allele CA320145651.

ClinVar aggregate classification (germline): Uncertain significance (1 of 4 stars; one submission).

Conditions:
Immunodeficiency 28 (IMD28). Also called: IFNGR2 DEFICIENCY. Identifiers: Orphanet 319547, Orphanet 319574, MedGen C4013947, MONDO:0013953, OMIM 614889.

Allele frequency attached by ClinVar (database versions not stated): TOPMed below 0.00001.

Submission:

Labcorp Genetics (formerly Invitae), Labcorp
Classification: Uncertain significance for Immunodeficiency 28. Last evaluated: 2021-02-10. Review status: criteria provided, single submitter. Criteria: Invitae Variant Classification Sherloc (09022015). Collection method: clinical testing. Allele origin: germline.
Comment: In summary, the available evidence is currently insufficient to determine the role of this variant in disease. Therefore, it has been classified as a Variant of Uncertain Significance. Algorithms developed to predict the effect of missense changes on protein structure and function are either unavailable or do not agree on the potential impact of this missense change (SIFT: "Tolerated"; PolyPhen-2: "Possibly Damaging"; Align-GVGD: "Class C0"). This variant has not been reported in the literature in individuals with IFNGR2-related conditions. This variant is not present in population databases (ExAC no frequency). This sequence change replaces glutamic acid with glutamine at codon 152 of the IFNGR2 protein (p.Glu152Gln). The glutamic acid residue is moderately conserved and there is a small physicochemical difference between glutamic acid and glutamine.